The following is an entry in ClinVar:

NM_003500.4(ACOX2):c.262C>T (p.Arg88Trp)

Gene: ACOX2 (acyl-CoA oxidase 2; minus strand). Cytogenetic location: 3p14.3.
Variant type: single nucleotide variant.
Coding change: c.262C>T on transcript NM_003500.4 (MANE Select); coding-DNA position 262, C replaced by T.
Protein change: p.Arg88Trp; replaces arginine 88 with tryptophan.
Molecular consequence: missense variant.
Genome position (GRCh38, 1-based): chr3:58,534,421, G>A on the plus strand (C>T on the coding strand, the complement: ACOX2 is on the minus strand). VCF-style: chr3-58534421-G-A. GRCh37 (hg19) VCF-style: chr3-58520148-G-A.
Other names: short protein forms R88W.
Identifiers: ClinVar variation 4749142 (VCV004749142.1).

ClinVar aggregate classification (germline): Uncertain significance (1 of 4 stars; one submission).

Submission:

Labcorp Genetics (formerly Invitae), Labcorp
Classification: Uncertain significance. Last evaluated: 2025-09-25. Review status: criteria provided, single submitter. Criteria: Invitae Variant Classification Sherloc (09022015). Collection method: clinical testing. Allele origin: germline.
Comment: This sequence change replaces arginine, which is basic and polar, with tryptophan, which is neutral and slightly polar, at codon 88 of the ACOX2 protein (p.Arg88Trp). This variant is present in population databases (rs755437867, gnomAD 0.009%). This variant has not been reported in the literature in individuals affected with ACOX2-related conditions. Invitae Evidence Modeling of protein sequence and biophysical properties (such as structural, functional, and spatial information, amino acid conservation, physicochemical variation, residue mobility, and thermodynamic stability) has been performed for this missense variant. However, the output from this modeling did not meet the statistical confidence thresholds required to predict the impact of this variant on ACOX2 protein function. In summary, the available evidence is currently insufficient to determine the role of this variant in disease. Therefore, it has been classified as a Variant of Uncertain Significance.